The following is an entry in ClinVar:

NM_199420.4(POLQ):c.2570G>A (p.Arg857His)

Gene: POLQ (DNA polymerase theta; minus strand). Cytogenetic location: 3q13.33.
Variant type: single nucleotide variant.
Coding change: c.2570G>A on transcript NM_199420.4 (MANE Select); coding-DNA position 2570, G replaced by A.
Protein change: p.Arg857His; replaces arginine 857 with histidine.
Molecular consequence: missense variant.
Genome position (GRCh38, 1-based): chr3:121,490,361, C>T on the plus strand (G>A on the coding strand, the complement: POLQ is on the minus strand). VCF-style: chr3-121490361-C-T. GRCh37 (hg19) VCF-style: chr3-121209208-C-T.
Other names: short protein forms R857H.
Identifiers: ClinVar variation 1793241 (VCV001793241.3), dbSNP rs751166841, ClinGen allele CA81837022.

ClinVar aggregate classification (germline): Uncertain significance (1 of 4 stars; one submission).

Allele frequency attached by ClinVar (database versions not stated): gnomAD exomes below 0.00001.
gnomAD v4.1: 1 of 1,614,228 alleles (0.000062%); highest among the groups gnomAD compares: Non-Finnish European, 0.000085%; no homozygotes.

Submission:

Ambry Genetics
Classification: Uncertain significance. Last evaluated: 2024-06-30. Review status: criteria provided, single submitter. Criteria: Ambry Variant Classification Scheme 2023. Collection method: clinical testing. Allele origin: germline.
Comment: The p.R857H variant (also known as c.2570G>A), located in coding exon 16 of the POLQ gene, results from a G to A substitution at nucleotide position 2570. The arginine at codon 857 is replaced by histidine, an amino acid with highly similar properties. This amino acid position is conserved. In addition, this alteration is predicted to be tolerated by in silico analysis. Since supporting evidence is limited at this time, the clinical significance of this alteration remains unclear.